The following is an entry in ClinVar:

ClinVar aggregate classification (germline): Benign/Likely benign. Review status: criteria provided, single submitter (1 of 4 stars). 2 submissions from 1 submitter: Benign (1); Likely benign (1). Last evaluated 2017-04-27.

Conditions:
Achromatopsia 3 (ACHM3). Also called: PINGELAPESE BLINDNESS; TOTAL COLORBLINDNESS WITH MYOPIA; ROD MONOCHROMACY 1; ROD MONOCHROMATISM 1; ACHROMATOPSIA WITH MYOPIA. Identifiers: Orphanet 49382, MedGen C1849792, MONDO:0009875, OMIM 262300.
Severe early-childhood-onset retinal dystrophy (STGD1). Also called: Stargardt macular dystrophy; Juvenile onset macular degeneration; Stargardt disease 1; MACULAR DYSTROPHY WITH FLECKS, TYPE 1; STGD. Identifiers: Orphanet 364055, Orphanet 827, MedGen C1855465, MeSH D000080362, MONDO:0009549, OMIM 248200.

Allele frequency attached by ClinVar (database versions not stated): gnomAD 0.00014 and 0.00043; TOPMed 0.00022; 1000 Genomes Project 30x 0.00187; 1000 Genomes Project 0.00240.

Submissions (2):

Illumina Laboratory Services, Illumina
Classification: Benign for Achromatopsia 3. Last evaluated: 2017-04-27. Review status: criteria provided, single submitter. Criteria: ICSL Variant Classification Criteria 13 December 2019. Collection method: clinical testing. Allele origin: germline.
Comment: This variant was observed as part of a predisposition screen in an ostensibly healthy population. A literature search was performed for the gene, cDNA change, and amino acid change (where applicable). No publications were found based on this search. Allele frequency data from public databases was too high to be consistent with this variant causing disease. Therefore, this variant is classified as benign.

Illumina Laboratory Services, Illumina
Classification: Likely benign for Severe early-childhood-onset retinal dystrophy. Last evaluated: 2017-04-27. Review status: criteria provided, single submitter. Criteria: ICSL Variant Classification Criteria 13 December 2019. Collection method: clinical testing. Allele origin: germline.
Comment: This variant was observed as part of a predisposition screen in an ostensibly healthy population. A literature search was performed for the gene, cDNA change, and amino acid change (where applicable). No publications were found based on this search. Allele frequency data from public databases allowed determination this variant is unlikely to cause disease. Therefore, this variant is classified as likely benign.

NM_019098.5(CNGB3):c.*997A>G

Gene: CNGB3 (cyclic nucleotide gated channel subunit beta 3; minus strand). Cytogenetic location: 8q21.3.
Variant type: single nucleotide variant.
Coding change: c.*997A>G on transcript NM_019098.5 (MANE Select); 997 bases downstream of the stop codon, A replaced by G.
Molecular consequence: 3 prime UTR variant.
Genome position (GRCh38, 1-based): chr8:86,574,807, T>C on the plus strand (A>G on the coding strand, the complement: CNGB3 is on the minus strand). VCF-style: chr8-86574807-T-C. GRCh37 (hg19) VCF-style: chr8-87587035-T-C.
Identifiers: ClinVar variation 910387 (VCV000910387.4), dbSNP rs141428300, ClinGen allele CA180328334.
Genomic context (GRCh38, chr8:86,574,807, plus strand): 5'-CCTCCTCACAGCATGCAACGTCGGTAATTATGCTAATGCTAGCTAATTCATGAGGACAAC[T>C]TCCTAAAGTGCCCTTAATTAACTTGGAGATTTTGTAAACAGCTATACATGTAGGTTCCGG-3'